The following is an entry in ClinVar:

ClinVar aggregate classification (germline): Uncertain significance. Review status: criteria provided, multiple submitters, no conflicts (2 of 4 stars). 2 submissions from 2 submitters: Uncertain significance (2). Last evaluated 2022-11-21.

Conditions:
Hereditary cancer-predisposing syndrome. Also called: Hereditary Cancer Syndrome; Hereditary neoplastic syndrome; Neoplastic Syndromes, Hereditary; Tumor predisposition. Identifiers: Orphanet 140162, MedGen C0027672, MeSH D009386, MONDO:0015356.

Submissions (2):

Quest Diagnostics Nichols Institute San Juan Capistrano
Classification: Uncertain significance. Last evaluated: 2022-11-21. Review status: criteria provided, single submitter. Criteria: Quest Diagnostics criteria. Collection method: clinical testing. Allele origin: unknown.
Comment: This variant has not been described in online databases. It also has not been reported in large, multi-ethnic general populations. In the published literature, the variant has been reported in an individual with colonic adenocarcinoma, however, occurrence with a known pathogenic variant could explain this phenotype (PMID: 30387329 (2019)). Analysis of this variant using bioinformatics tools for the prediction of the effect of amino acid changes on protein structure and function yielded predictions that this variant is damaging. Based on the available information, we are unable to determine the clinical significance of this variant.

Ambry Genetics
Classification: Uncertain significance for Hereditary cancer-predisposing syndrome. Last evaluated: 2021-12-29. Review status: criteria provided, single submitter. Criteria: Ambry Variant Classification Scheme 2023. Collection method: clinical testing. Allele origin: germline.
Comment: The p.V31A variant (also known as c.92T>C), located in coding exon 2 of the PMS2 gene, results from a T to C substitution at nucleotide position 92. The valine at codon 31 is replaced by alanine, an amino acid with similar properties. This amino acid position is highly conserved in available vertebrate species. In addition, this alteration is predicted to be deleterious by in silico analysis. Since supporting evidence is limited at this time, the clinical significance of this alteration remains unclear.

Literature cited by the submitters: PubMed 30387329 (cited by Quest Diagnostics Nichols Institute San Juan Capistrano).

NM_000535.7(PMS2):c.92T>C (p.Val31Ala)

Gene: PMS2 (PMS1 homolog 2, mismatch repair system component; minus strand). Cytogenetic location: 7p22.1.
Variant type: single nucleotide variant.
Coding change: c.92T>C on transcript NM_000535.7 (MANE Select); coding-DNA position 92, T replaced by C.
Protein change: p.Val31Ala; replaces valine 31 with alanine.
Molecular consequence: missense variant. On other transcripts: non-coding transcript variant (1), intron variant (3), 5 prime UTR variant (8).
Genome position (GRCh38, 1-based): chr7:6,005,963, A>G on the plus strand (T>C on the coding strand, the complement: PMS2 is on the minus strand). VCF-style: chr7-6005963-A-G. GRCh37 (hg19) VCF-style: chr7-6045594-A-G.
Other names: c.-314T>C (NM_001406910.1, NM_001018040.1, NM_001322003.2 and 11 more transcripts); c.92T>C, p.Val31Ala (NM_001406912.1, NM_001322006.2, NM_001322014.2 and 10 more transcripts); c.-52-1905T>C (NM_001322008.2); c.-242-1905T>C (NM_001322010.2, NM_001322004.2); c.-124T>C (NM_001322007.2, NM_001406876.1, NM_001406883.1 and 4 more transcripts); c.-793T>C (NM_001322011.2, NM_001322012.2); c.-393T>C (NM_001322015.2, NM_001406875.1, NM_001406877.1 and 2 more transcripts); c.278T>C, p.Val93Ala (NM_001406866.1); and 5 more; short protein forms V31A, V93A.
Identifiers: ClinVar variation 1766500 (VCV001766500.3), dbSNP rs2128845590, ClinGen allele CA366745076.
Genomic context (GRCh38, chr7:6,005,963, plus strand): 5'-GCACCAGCATCCAGACTGTTTTCTACTAACTCCTTTACCGCAGTGCTTAGACTCAGTACC[A>G]CCTGCCCAGAGCAAATCTGATGGACTGACTTCCGATCAATAGGTTTGATGGCCTTAGCAG-3'
Protein context (NP_000526.2, residues 21-41): KSVHQICSGQ[Val31Ala]VLSLSTAVKE